The following is an entry in ClinVar:

ClinVar aggregate classification (germline): Likely benign. Review status: criteria provided, single submitter (1 of 4 stars). 2 submissions from 2 submitters: Likely benign (1). 1 of the submissions does not count toward it. Last evaluated 2024-05-29.

Conditions:
VPS13B-related disorder. Also called: VPS13B-related condition.
Cohen syndrome (COH1). Also called: Cutis verticis gyrata, retinitis pigmentosa, and sensorineural deafness; PEPPER SYNDROME. Identifiers: Orphanet 193, MedGen C0265223, MONDO:0008999, OMIM 216550.

Allele frequency attached by ClinVar (database versions not stated): ExAC 0.00001; TOPMed 0.00001.
gnomAD v4.1: 2 of 1,613,058 alleles (0.00012%); highest among the groups gnomAD compares: Admixed American, 0.0033%; no homozygotes.

Submissions (2):

Labcorp Genetics (formerly Invitae), Labcorp
Classification: Likely benign for Cohen syndrome. Last evaluated: 2024-05-29. Review status: criteria provided, single submitter. Criteria: Invitae Variant Classification Sherloc (09022015). Collection method: clinical testing. Allele origin: germline.

PreventionGenetics, part of Exact Sciences
Classification: Likely benign for VPS13B-related condition. Last evaluated: 2023-01-27. Review status: no assertion criteria provided. Collection method: clinical testing. Allele origin: germline. Not counted in ClinVar's aggregate classification.
Comment: This variant is classified as likely benign based on ACMG/AMP sequence variant interpretation guidelines (Richards et al. 2015 PMID: 25741868, with internal and published modifications).

NM_152564.5(VPS13B):c.4113G>A (p.Val1371=)

Gene: VPS13B (vacuolar protein sorting 13 homolog B; plus strand). Cytogenetic location: 8q22.2.
Variant type: single nucleotide variant.
Coding change: c.4113G>A on transcript NM_152564.5 (MANE Select); coding-DNA position 4113, G replaced by A.
Protein change: p.Val1371=; no amino-acid change (valine 1371 retained).
Molecular consequence: synonymous variant.
Genome position (GRCh38, 1-based): chr8:99,502,906, G>A. VCF-style: chr8-99502906-G-A. GRCh37 (hg19) VCF-style: chr8-100515134-G-A.
Other names: c.4113G>A, p.Val1371= (NM_017890.5); c.4113G>A (NM_152564.4).
Identifiers: ClinVar variation 1082773 (VCV001082773.10), dbSNP rs769085208, ClinGen allele CA4823418.